The following is an entry in ClinVar:

NM_001370259.2(MEN1):c.1483C>T (p.Pro495Ser)

Gene: MEN1 (menin 1; minus strand). Cytogenetic location: 11q13.1.
Variant type: single nucleotide variant.
Coding change: c.1483C>T on transcript NM_001370259.2 (MANE Select); coding-DNA position 1483, C replaced by T.
Protein change: p.Pro495Ser; replaces proline 495 with serine.
Molecular consequence: missense variant.
Genome position (GRCh38, 1-based): chr11:64,804,684, G>A on the plus strand (C>T on the coding strand, the complement: MEN1 is on the minus strand). VCF-style: chr11-64804684-G-A. GRCh37 (hg19) VCF-style: chr11-64572156-G-A.
Other names: c.1498C>T, p.Pro500Ser (NM_000244.4, NM_001407145.1, NM_130800.3 and 4 more transcripts); c.1609C>T, p.Pro537Ser (NM_001370251.2, NM_001407142.1, NM_001407143.1 and 1 more transcripts); c.1483C>T, p.Pro495Ser (NM_001370260.2, NM_001370261.2, NM_001407146.1 and 2 more transcripts); c.1378C>T, p.Pro460Ser (NM_001370262.2, NM_001370263.2, NM_001407148.1 and 1 more transcripts); c.1624C>T, p.Pro542Ser (NM_001407150.1); c.1504C>T, p.Pro502Ser (NM_001407151.1); c.1318C>T, p.Pro440Ser (NM_001407152.1); short protein forms P542S, P440S, P537S, P460S, P500S, P502S, P495S.
Identifiers: ClinVar variation 1773623 (VCV001773623.8), dbSNP rs898745144, ClinGen allele CA223912005.

ClinVar aggregate classification (germline): Uncertain significance. Review status: criteria provided, multiple submitters, no conflicts (2 of 4 stars). 2 submissions from 2 submitters: Uncertain significance (2). Last evaluated 2025-12-15.

Conditions:
Multiple endocrine neoplasia, type 1 (MEN1). Also called: MEN I; WERMER SYNDROME; MEA I; Endocrine adenomatosis multiple; MEN 1. Identifiers: Orphanet 652, MedGen C0025267, MeSH D018761, MONDO:0007540, OMIM 131100.
Hereditary cancer-predisposing syndrome. Also called: Tumor predisposition; Hereditary Cancer Syndrome; Hereditary neoplastic syndrome; Neoplastic Syndromes, Hereditary. Identifiers: Orphanet 140162, MedGen C0027672, MeSH D009386, MONDO:0015356.

Submissions (2):

Ambry Genetics
Classification: Uncertain significance for Hereditary cancer-predisposing syndrome. Last evaluated: 2025-12-15. Review status: criteria provided, single submitter. Criteria: Ambry Variant Classification Scheme 2023. Collection method: clinical testing. Allele origin: germline.
Comment: The p.P495S variant (also known as c.1483C>T), located in coding exon 9 of the MEN1 gene, results from a C to T substitution at nucleotide position 1483. The proline at codon 495 is replaced by serine, an amino acid with similar properties. This amino acid position is well conserved in available vertebrate species. In addition, the in silico prediction for this alteration is inconclusive. Based on the available evidence, the clinical significance of this variant remains unclear.

Labcorp Genetics (formerly Invitae), Labcorp
Classification: Uncertain significance for Multiple endocrine neoplasia, type 1. Last evaluated: 2023-11-24. Review status: criteria provided, single submitter. Criteria: Invitae Variant Classification Sherloc (09022015). Collection method: clinical testing. Allele origin: germline.
Comment: This sequence change replaces proline, which is neutral and non-polar, with serine, which is neutral and polar, at codon 495 of the MEN1 protein (p.Pro495Ser). This variant is not present in population databases (gnomAD no frequency). This variant has not been reported in the literature in individuals affected with MEN1-related conditions. ClinVar contains an entry for this variant (Variation ID: 1773623). Advanced modeling of protein sequence and biophysical properties (such as structural, functional, and spatial information, amino acid conservation, physicochemical variation, residue mobility, and thermodynamic stability) has been performed at Invitae for this missense variant, however the output from this modeling did not meet the statistical confidence thresholds required to predict the impact of this variant on MEN1 protein function. In summary, the available evidence is currently insufficient to determine the role of this variant in disease. Therefore, it has been classified as a Variant of Uncertain Significance.